The following is an entry in ClinVar:

ClinVar aggregate classification (germline): Uncertain significance. Review status: criteria provided, multiple submitters, no conflicts (2 of 4 stars). 2 submissions from 2 submitters: Uncertain significance (2). Last evaluated 2025-11-05.

Conditions:
Hereditary cancer-predisposing syndrome. Also called: Tumor predisposition; Hereditary Cancer Syndrome; Hereditary neoplastic syndrome; Neoplastic Syndromes, Hereditary. Identifiers: Orphanet 140162, MedGen C0027672, MeSH D009386, MONDO:0015356.
Rhabdoid tumor predisposition syndrome 2 (RTPS2). Identifiers: Orphanet 231108, Orphanet 69077, MedGen C2750074, MONDO:0013224, OMIM 613325.

Submissions (2):

Labcorp Genetics (formerly Invitae), Labcorp
Classification: Uncertain significance for Rhabdoid tumor predisposition syndrome 2. Last evaluated: 2025-11-05. Review status: criteria provided, single submitter. Criteria: Invitae Variant Classification Sherloc (09022015). Collection method: clinical testing. Allele origin: germline.
Comment: This sequence change replaces glutamine, which is neutral and polar, with proline, which is neutral and non-polar, at codon 413 of the SMARCA4 protein (p.Gln413Pro). This variant is not present in population databases (gnomAD no frequency). This variant has not been reported in the literature in individuals affected with SMARCA4-related conditions. ClinVar contains an entry for this variant (Variation ID: 2587144). Invitae Evidence Modeling of protein sequence and biophysical properties (such as structural, functional, and spatial information, amino acid conservation, physicochemical variation, residue mobility, and thermodynamic stability) indicates that this missense variant is expected to disrupt SMARCA4 protein function with a positive predictive value of 95%. In summary, the available evidence is currently insufficient to determine the role of this variant in disease. Therefore, it has been classified as a Variant of Uncertain Significance.

Ambry Genetics
Classification: Uncertain significance for Hereditary cancer-predisposing syndrome. Last evaluated: 2023-08-25. Review status: criteria provided, single submitter. Criteria: Ambry Variant Classification Scheme 2023. Collection method: clinical testing. Allele origin: germline.
Comment: The p.Q413P variant (also known as c.1238A>C), located in coding exon 6 of the SMARCA4 gene, results from an A to C substitution at nucleotide position 1238. The glutamine at codon 413 is replaced by proline, an amino acid with similar properties. This amino acid position is highly conserved in available vertebrate species. In addition, the in silico prediction for this alteration is inconclusive. Missense and in-frame variants in SMARCA4 are known to cause neurodevelopmental disorders; however, such associations with rhabdoid tumor predisposition syndrome including small cell carcinoma of the ovary-hypercalcemic type (SCCOHT) are exceedingly rare (Kosho T et al. Am J Med Genet C Semin Med Genet. 2014 Sep;166C(3):262-75; Jelinic P et al. Nat Genet. 2014 May;46(5):424-6). Since supporting evidence is limited at this time, the clinical significance of this alteration remains unclear.

NM_003072.5(SMARCA4):c.1238A>C (p.Gln413Pro)

Gene: SMARCA4 (SWI/SNF related BAF chromatin remodeling complex subunit ATPase 4; plus strand). Cytogenetic location: 19p13.2.
Variant type: single nucleotide variant.
Coding change: c.1238A>C on transcript NM_003072.5 (MANE Select); coding-DNA position 1238, A replaced by C.
Protein change: p.Gln413Pro; replaces glutamine 413 with proline.
Molecular consequence: missense variant. On other transcripts: non-coding transcript variant (1).
Genome position (GRCh38, 1-based): chr19:10,989,436, A>C. VCF-style: chr19-10989436-A-C. GRCh37 (hg19) VCF-style: chr19-11100112-A-C.
Other names: c.1238A>C, p.Gln413Pro (NM_001128844.3, NM_001128845.2, NM_001128846.2 and 6 more transcripts); short protein forms Q413P.
Identifiers: ClinVar variation 2587144 (VCV002587144.3), dbSNP rs2145850172, ClinGen allele CA404059812.